The following is an entry in ClinVar:

NM_018100.4(EFHC1):c.1337C>T (p.Thr446Ile)

Gene: EFHC1 (EF-hand domain containing 1; plus strand). Cytogenetic location: 6p12.2.
Variant type: single nucleotide variant.
Coding change: c.1337C>T on transcript NM_018100.4 (MANE Select); coding-DNA position 1337, C replaced by T.
Protein change: p.Thr446Ile; replaces threonine 446 with isoleucine.
Molecular consequence: missense variant. On other transcripts: non-coding transcript variant (1).
Genome position (GRCh38, 1-based): chr6:52,479,095, C>T. VCF-style: chr6-52479095-C-T. GRCh37 (hg19) VCF-style: chr6-52343893-C-T.
Other names: c.1280C>T, p.Thr427Ile (NM_001172420.2); short protein forms T427I, T446I.
Identifiers: ClinVar variation 641895 (VCV000641895.10), dbSNP rs753032457, ClinGen allele CA3856068.

ClinVar aggregate classification (germline): Uncertain significance (1 of 4 stars; one submission).

Conditions:
Absence seizure. Also called: Absence epilepsy. Identifiers: Orphanet 1941, MedGen C0014553.
Myoclonic epilepsy, juvenile, susceptibility to, 1. Also called: Myoclonic Epilepsy, Juvenile, 1; EJM1. Identifiers: MedGen C1850778, MONDO:0020752, OMIM 254770.

Allele frequency attached by ClinVar (database versions not stated): gnomAD exomes below 0.00001 and 0.00001; TOPMed below 0.00001; ExAC 0.00002.
gnomAD v4.1: 2 of 1,614,134 alleles (0.00012%); highest among the groups gnomAD compares: Admixed American, 0.0017%; no homozygotes.

Submission:

Labcorp Genetics (formerly Invitae), Labcorp
Classification: Uncertain significance for Myoclonic epilepsy, juvenile, susceptibility to, 1; Absence seizure. Last evaluated: 2020-03-06. Review status: criteria provided, single submitter. Criteria: Invitae Variant Classification Sherloc (09022015). Collection method: clinical testing. Allele origin: germline.
Comment: This sequence change replaces threonine with isoleucine at codon 446 of the EFHC1 protein (p.Thr446Ile). The threonine residue is moderately conserved and there is a moderate physicochemical difference between threonine and isoleucine. This variant is present in population databases (rs753032457, ExAC 0.009%). This variant has not been reported in the literature in individuals with EFHC1-related conditions. Algorithms developed to predict the effect of missense changes on protein structure and function are either unavailable or do not agree on the potential impact of this missense change (SIFT: "Tolerated"; PolyPhen-2: "Possibly Damaging"; Align-GVGD: "Class C0"). In summary, the available evidence is currently insufficient to determine the role of this variant in disease. Therefore, it has been classified as a Variant of Uncertain Significance.